The following is an entry in ClinVar:

ClinVar aggregate classification (germline): Uncertain significance. Review status: criteria provided, multiple submitters, no conflicts (2 of 4 stars). 8 submissions from 7 submitters: Uncertain significance (6). 2 of the submissions do not count toward it. Last evaluated 2026-03-09.

Conditions:
Retinitis pigmentosa 39 (RP39). Identifiers: Orphanet 791, MedGen C3151138, MONDO:0013436, OMIM 613809.
Usher syndrome type 2A. Also called: USHER SYNDROME, TYPE IIA; RETINAL DISEASE IN USHER SYNDROME TYPE IIA, MODIFIER OF. Identifiers: Orphanet 231178, Orphanet 886, MedGen C1848634, MONDO:0010169, OMIM 276901.
USH2A-related disorder. Also called: USH2A-related disorders; USH2A-related condition. Identifiers: MedGen CN239332.

Allele frequency attached by ClinVar (database versions not stated): gnomAD 0.00001; TOPMed 0.00001.
gnomAD v4.1: 16 of 1,613,918 alleles (0.00099%); highest among the groups gnomAD compares: Non-Finnish European, 0.0014%; no homozygotes.

Submissions (8):

PreventionGenetics, part of Exact Sciences
Classification: Uncertain significance for USH2A-related condition. Last evaluated: 2026-03-09. Review status: criteria provided, single submitter. Criteria: ACMG Guidelines, 2015. Collection method: clinical testing. Allele origin: germline.
Comment: The USH2A c.13778C>T variant is predicted to result in the amino acid substitution p.Ser4593Leu. This variant has been reported, along with the USH2A variant c.2276G>T (p.Cys759Phe), in individuals with retinal disease (Table S5, Ellingford et al 2016. PubMed ID: 27208204; Table S1, Sather et al. 2023. PubMed ID: 37446072). This variant is absent in a large population database (gnomAD), indicating this variant is rare. At this time, the clinical significance of this variant is uncertain due to the absence of conclusive functional and genetic evidence.

Labcorp Genetics (formerly Invitae), Labcorp
Classification: Uncertain significance. Last evaluated: 2024-02-07. Review status: criteria provided, single submitter. Criteria: Invitae Variant Classification Sherloc (09022015). Collection method: clinical testing. Allele origin: germline.
Comment: This sequence change replaces serine, which is neutral and polar, with leucine, which is neutral and non-polar, at codon 4593 of the USH2A protein (p.Ser4593Leu). This variant is not present in population databases (gnomAD no frequency). This missense change has been observed in individual(s) with Usher syndrome (PMID: 27208204). ClinVar contains an entry for this variant (Variation ID: 550628). Advanced modeling of protein sequence and biophysical properties (such as structural, functional, and spatial information, amino acid conservation, physicochemical variation, residue mobility, and thermodynamic stability) performed at Invitae indicates that this missense variant is not expected to disrupt USH2A protein function with a negative predictive value of 95%. In summary, the available evidence is currently insufficient to determine the role of this variant in disease. Therefore, it has been classified as a Variant of Uncertain Significance.

Genome-Nilou Lab
Classification: Uncertain significance for Retinitis pigmentosa 39. Last evaluated: 2023-11-04. Review status: criteria provided, single submitter. Criteria: ACMG Guidelines, 2015. Collection method: clinical testing. Allele origin: germline. Affected: no.

Genome-Nilou Lab
Classification: Uncertain significance for Usher syndrome type 2A. Last evaluated: 2023-11-04. Review status: criteria provided, single submitter. Criteria: ACMG Guidelines, 2015. Collection method: clinical testing. Allele origin: germline. Affected: no.

GeneDx
Classification: Uncertain significance. Last evaluated: 2023-01-30. Review status: criteria provided, single submitter. Criteria: GeneDx Variant Classification Process June 2021. Collection method: clinical testing. Allele origin: germline. Affected: yes.
Comment: Identified in a patient with Usher syndrome who was also found to harbor the C759F variant, however, phase was not confirmed, and additional clinical and family history information was not provided (Ellingford et al., 2016); Not observed at significant frequency in large population cohorts (gnomAD); In silico analysis supports that this missense variant has a deleterious effect on protein structure/function; This variant is associated with the following publications: (PMID: 27208204)

Blueprint Genetics
Classification: Uncertain significance. Last evaluated: 2022-06-01. Review status: criteria provided, single submitter. Criteria: ACMG Guidelines, 2015. Collection method: clinical testing. Allele origin: germline.

Natera, Inc.
Classification: Uncertain significance for Usher syndrome type 2A. Last evaluated: 2020-05-27. Review status: no assertion criteria provided. Collection method: clinical testing. Allele origin: germline. Not counted in ClinVar's aggregate classification.

Counsyl
Classification: Uncertain significance for Usher syndrome type 2A; Retinitis pigmentosa 39. Last evaluated: 2017-02-08. Review status: no assertion criteria provided. Collection method: clinical testing. Allele origin: unknown. Not counted in ClinVar's aggregate classification.

Literature cited by the submitters: PubMed 27208204 (cited by Labcorp Genetics (formerly Invitae), Labcorp and Counsyl).

NM_206933.4(USH2A):c.13778C>T (p.Ser4593Leu)

Gene: USH2A (usherin; minus strand). Cytogenetic location: 1q41.
Variant type: single nucleotide variant.
Coding change: c.13778C>T on transcript NM_206933.4 (MANE Select); coding-DNA position 13778, C replaced by T.
Protein change: p.Ser4593Leu; replaces serine 4593 with leucine.
Molecular consequence: missense variant.
Genome position (GRCh38, 1-based): chr1:215,674,133, G>A on the plus strand (C>T on the coding strand, the complement: USH2A is on the minus strand). VCF-style: chr1-215674133-G-A. GRCh37 (hg19) VCF-style: chr1-215847475-G-A.
Other names: short protein forms S4593L.
Identifiers: ClinVar variation 550628 (VCV000550628.22), dbSNP rs1202573136, ClinGen allele CA344843315.